The following is an entry in ClinVar:

NM_005529.7(HSPG2):c.1653G>A (p.Lys551=)

Gene: HSPG2 (heparan sulfate proteoglycan 2; minus strand). Cytogenetic location: 1p36.12.
Variant type: single nucleotide variant.
Coding change: c.1653G>A on transcript NM_005529.7 (MANE Select); coding-DNA position 1653, G replaced by A.
Protein change: p.Lys551=; no amino-acid change (lysine 551 retained).
Molecular consequence: synonymous variant.
Genome position (GRCh38, 1-based): chr1:21,884,529, C>T on the plus strand (G>A on the coding strand, the complement: HSPG2 is on the minus strand). VCF-style: chr1-21884529-C-T. GRCh37 (hg19) VCF-style: chr1-22211022-C-T.
Other names: c.1656G>A, p.Lys552= (NM_001291860.2).
Identifiers: ClinVar variation 2023432 (VCV002023432.4), dbSNP rs2550792398, ClinGen allele CA416681271.
Genomic context (GRCh38, chr1:21,884,529, plus strand): 5'-CTGGGTACAGAGGTACCCACCTCCCACCTCCCGCAGCGCTCACCCGCCCGCCAACGCACC[C>T]TTGAAGTCATCGGGTTGGTCAAAGCGCAGCCTGATCTGGTCCCGGAAGCGGCGGGTGCTC-3'
Protein context (NP_005520.4, residues 541-561): RLRFDQPDDF[Lys551=]GVNVTMPAQP

ClinVar aggregate classification (germline): Uncertain significance (1 of 4 stars; one submission).

Submission:

Labcorp Genetics (formerly Invitae), Labcorp
Classification: Uncertain significance. Last evaluated: 2022-08-10. Review status: criteria provided, single submitter. Criteria: Invitae Variant Classification Sherloc (09022015). Collection method: clinical testing. Allele origin: germline.
Comment: In summary, the available evidence is currently insufficient to determine the role of this variant in disease. Therefore, it has been classified as a Variant of Uncertain Significance. Algorithms developed to predict the effect of sequence changes on RNA splicing suggest that this variant is not likely to affect RNA splicing. This variant has not been reported in the literature in individuals affected with HSPG2-related conditions. This variant is not present in population databases (gnomAD no frequency). This sequence change affects codon 551 of the HSPG2 mRNA. It is a 'silent' change, meaning that it does not change the encoded amino acid sequence of the HSPG2 protein. It affects a nucleotide within the consensus splice site.